The following is an entry in ClinVar:

ClinVar aggregate classification (germline): Conflicting classifications of pathogenicity. Review status: criteria provided, conflicting classifications (1 of 4 stars). 7 submissions from 5 submitters: Uncertain significance (4); Likely benign (1). 2 of the submissions do not count toward it. Last evaluated 2025-12-31.

Conditions:
Joubert syndrome. Also called: JOUBERT-BOLTSHAUSER SYNDROME; Familial aplasia of the vermis. Identifiers: Orphanet 475, MedGen C5979921, MONDO:0018772.
Meckel-Gruber syndrome. Also called: GRUBER SYNDROME; DYSENCEPHALIA SPLANCHNOCYSTICA; Dysencephalia splachnocystica. Identifiers: Orphanet 564, MedGen C0265215, MONDO:0018921.
RPGRIP1L-related disorder. Also called: RPGRIP1L-related disorders; RPGRIP1L-related condition. Identifiers: MedGen CN239416.
Nephronophthisis 8. Identifiers: MedGen CN119610.
Joubert syndrome 7 (JBTS7). Identifiers: Orphanet 220497, MedGen C1969053, MONDO:0012694, OMIM 611560.
Retinal dystrophy. Also called: Inherited retinal dystrophy. Identifiers: Orphanet 71862, MedGen C0854723, MeSH D058499, MONDO:0019118, HP:0000556.
Meckel syndrome, type 5 (MKS5). Identifiers: Orphanet 564, MedGen C1969052, MONDO:0012695, OMIM 611561.

Allele frequency attached by ClinVar (database versions not stated): ExAC 0.00003; gnomAD exomes 0.00003; gnomAD 0.00004 and 0.00005; TOPMed 0.00004.
gnomAD v4.1: 47 of 1,613,936 alleles (0.0029%); highest among the groups gnomAD compares: Non-Finnish European, 0.0039%; no homozygotes.

Submissions (7):

Labcorp Genetics (formerly Invitae), Labcorp
Classification: Likely benign for Joubert syndrome; Meckel-Gruber syndrome. Last evaluated: 2025-12-31. Review status: criteria provided, single submitter. Criteria: Invitae Variant Classification Sherloc (09022015). Collection method: clinical testing. Allele origin: germline.

Illumina Laboratory Services, Illumina
Classification: Uncertain significance for Joubert syndrome 7. Last evaluated: 2018-01-13. Review status: criteria provided, single submitter. Criteria: ICSL Variant Classification Criteria 13 December 2019. Collection method: clinical testing. Allele origin: germline.

Illumina Laboratory Services, Illumina
Classification: Uncertain significance for Nephronophthisis 8. Last evaluated: 2018-01-13. Review status: criteria provided, single submitter. Criteria: ICSL Variant Classification Criteria 13 December 2019. Collection method: clinical testing. Allele origin: germline.

Illumina Laboratory Services, Illumina
Classification: Uncertain significance for Meckel syndrome, type 5. Last evaluated: 2018-01-13. Review status: criteria provided, single submitter. Criteria: ICSL Variant Classification Criteria 13 December 2019. Collection method: clinical testing. Allele origin: germline.

CeGaT Center for Human Genetics Tuebingen
Classification: Uncertain significance. Last evaluated: 2016-07-01. Review status: criteria provided, single submitter. Criteria: CeGaT Center For Human Genetics Tuebingen Variant Classification Criteria Version 2. Collection method: clinical testing. Allele origin: germline. Affected: yes. Observed: 1 variant allele.

Institute of Human Genetics, Univ. Regensburg, Univ. Regensburg
Classification: Uncertain significance for Retinal dystrophy. Last evaluated: 2023-01-01. Review status: no assertion criteria provided. Criteria: ACMG Guidelines, 2015. Collection method: clinical testing. Allele origin: germline. Affected: yes. Not counted in ClinVar's aggregate classification.

PreventionGenetics, part of Exact Sciences
Classification: Likely benign for RPGRIP1L-related condition. Last evaluated: 2021-10-29. Review status: no assertion criteria provided. Collection method: clinical testing. Allele origin: germline. Not counted in ClinVar's aggregate classification.
Comment: This variant is classified as likely benign based on ACMG/AMP sequence variant interpretation guidelines (Richards et al. 2015 PMID: 25741868, with internal and published modifications).

NM_015272.5(RPGRIP1L):c.3882A>G (p.Val1294=)

Gene: RPGRIP1L (RPGRIP1 like; minus strand). Cytogenetic location: 16q12.2.
Variant type: single nucleotide variant.
Coding change: c.3882A>G on transcript NM_015272.5 (MANE Select); coding-DNA position 3882, A replaced by G.
Protein change: p.Val1294=; no amino-acid change (valine 1294 retained).
Molecular consequence: synonymous variant.
Genome position (GRCh38, 1-based): chr16:53,602,142, T>C on the plus strand (A>G on the coding strand, the complement: RPGRIP1L is on the minus strand). VCF-style: chr16-53602142-T-C. GRCh37 (hg19) VCF-style: chr16-53636054-T-C.
Other names: c.3642A>G, p.Val1214= (NM_001127897.4); c.3744A>G, p.Val1248= (NM_001308334.3); c.3780A>G, p.Val1260= (NM_001330538.2); c.3882A>G (NM_015272.4).
Identifiers: ClinVar variation 319646 (VCV000319646.54), dbSNP rs759935029, ClinGen allele CA8057127.